The following is an entry in ClinVar:

ClinVar aggregate classification (germline): Likely pathogenic (1 of 4 stars; one submission).

Conditions:
Melnick-Fraser syndrome (BOR). Also called: Branchio-oto-renal syndrome; Branchiootorenal Syndrome (BORS); Branchiootorenal syndrome. Identifiers: Orphanet 107, MedGen C0265234, MONDO:0007029.

Submission:

Labcorp Genetics (formerly Invitae), Labcorp
Classification: Likely pathogenic for Melnick-Fraser syndrome. Last evaluated: 2022-02-22. Review status: criteria provided, single submitter. Criteria: Invitae Variant Classification Sherloc (09022015). Collection method: clinical testing. Allele origin: germline.
Comment: This sequence change affects a donor splice site in intron 16 of the EYA1 gene. It is expected to disrupt RNA splicing. Variants that disrupt the donor or acceptor splice site typically lead to a loss of protein function (PMID: 16199547), and loss-of-function variants in EYA1 are known to be pathogenic (PMID: 10464653, 18220287). This variant is not present in population databases (gnomAD no frequency). This variant has not been reported in the literature in individuals affected with EYA1-related conditions. Algorithms developed to predict the effect of sequence changes on RNA splicing suggest that this variant may disrupt the consensus splice site. In summary, the currently available evidence indicates that the variant is pathogenic, but additional data are needed to prove that conclusively. Therefore, this variant has been classified as Likely Pathogenic.

Literature cited by the submitters: PubMed 16199547; PubMed 10464653; PubMed 18220287.

NM_000503.6(EYA1):c.1597+1G>T

Gene: EYA1 (EYA transcriptional coactivator and phosphatase 1; minus strand). Cytogenetic location: 8q13.3.
Variant type: single nucleotide variant.
Coding change: c.1597+1G>T on transcript NM_000503.6 (MANE Select); the canonical splice donor site of the intron after coding-DNA position 1597, G replaced by T.
Molecular consequence: splice donor variant.
Genome position (GRCh38, 1-based): chr8:71,215,386, C>A on the plus strand (G>T on the coding strand, the complement: EYA1 is on the minus strand). VCF-style: chr8-71215386-C-A. GRCh37 (hg19) VCF-style: chr8-72127621-C-A.
Other names: c.1576+1G>T (NM_001370336.1); c.1684+1G>T (NM_001370333.1); c.1597+1G>T (NM_001370335.1, NM_001370334.1, NM_172058.4); c.1579+1G>T (NM_172059.5, NM_001288574.2); c.1498+1G>T (NM_001411797.1, NM_172060.4); c.1231+1G>T (NM_001288575.2).
Identifiers: ClinVar variation 2102138 (VCV002102138.4), dbSNP rs1563630117, ClinGen allele CA371466041.